The following is an entry in ClinVar:

NM_214711.4(PRR27):c.516A>C (p.Ala172=)

Gene: PRR27 (proline rich 27; plus strand). Cytogenetic location: 4q13.3.
Variant type: single nucleotide variant.
Coding change: c.516A>C on transcript NM_214711.4 (MANE Select); coding-DNA position 516, A replaced by C.
Protein change: p.Ala172=; no amino-acid change (alanine 172 retained).
Molecular consequence: synonymous variant.
Genome position (GRCh38, 1-based): chr4:70,158,768, A>C. VCF-style: chr4-70158768-A-C. GRCh37 (hg19) VCF-style: chr4-71024485-A-C.
Identifiers: ClinVar variation 2654795 (VCV002654795.24), dbSNP rs149632408, ClinGen allele CA98950074.

ClinVar aggregate classification (germline): Likely benign (1 of 4 stars; one submission).

Submission:

CeGaT Center for Human Genetics Tuebingen
Classification: Likely benign. Last evaluated: 2022-11-01. Review status: criteria provided, single submitter. Criteria: CeGaT Center For Human Genetics Tuebingen Variant Classification Criteria Version 2. Collection method: clinical testing. Allele origin: germline. Affected: yes. Observed: 2 variant alleles.
Comment: PRR27: BP4, BP7